The following is an entry in ClinVar:

NM_006852.6(TLK2):c.1784C>T (p.Ser595Leu)

Gene: TLK2 (tousled like kinase 2; plus strand). Cytogenetic location: 17q23.2.
Variant type: single nucleotide variant.
Coding change: c.1784C>T on transcript NM_006852.6 (MANE Select); coding-DNA position 1784, C replaced by T.
Protein change: p.Ser595Leu; replaces serine 595 with leucine.
Molecular consequence: missense variant.
Genome position (GRCh38, 1-based): chr17:62,602,105, C>T. VCF-style: chr17-62602105-C-T. GRCh37 (hg19) VCF-style: chr17-60679466-C-T.
Other names: c.1850C>T (NM_001284333.1); c.1337C>T, p.Ser446Leu (NM_001330418.3, NM_001375273.1); c.1826C>T, p.Ser609Leu (NM_001375269.1); c.1784C>T, p.Ser595Leu (NM_001375270.1, NM_001375271.1); c.1688C>T, p.Ser563Leu (NM_001375272.1, NM_001284363.1); c.1850C>T, p.Ser617Leu (NM_001284333.3); c.1784C>T (NM_006852.3); short protein forms S446L, S563L, S595L, S609L, S617L.
Identifiers: ClinVar variation 978817 (VCV000978817.4), dbSNP rs2082914686, ClinGen allele CA400512424.

ClinVar aggregate classification (germline): Pathogenic/Likely pathogenic. Review status: criteria provided, multiple submitters, no conflicts (2 of 4 stars). 3 submissions from 3 submitters: Pathogenic (2); Likely pathogenic (1). Last evaluated 2024-10-04.

Conditions:
Intellectual developmental disorder, autosomal dominant 57. Also called: MENTAL RETARDATION, AUTOSOMAL DOMINANT 57; Intellectual disability, autosomal dominant 57. Identifiers: MedGen C4748003, MONDO:0054837, OMIM 618050.
Intellectual disability. Also called: Intellectual functioning disability; Intellectual developmental disorder; intellectual disabilities. Identifiers: MedGen C3714756, MeSH D008607, MONDO:0001071, HP:0001249.

Submissions (3):

Dubai Health Genomic Medicine Center, Dubai Health
Classification: Pathogenic for Intellectual developmental disorder. Last evaluated: 2024-10-04. Review status: criteria provided, single submitter. Criteria: ACMG Guidelines, 2015. Collection method: research. Allele origin: germline. Affected: yes.
Comment: PS3,PM2,PP3,PM6

GeneDx
Classification: Likely pathogenic. Last evaluated: 2024-04-25. Review status: criteria provided, single submitter. Criteria: GeneDx Variant Classification Process June 2021. Collection method: clinical testing. Allele origin: germline. Affected: yes.
Comment: In silico analysis supports that this missense variant has a deleterious effect on protein structure/function; Not observed at significant frequency in large population cohorts (gnomAD); This variant is associated with the following publications: (PMID: 21572417, 33323470, 25849321, 31981491, 35982160, 35322241, 28191890, 31785789, 25363768, 35982159, 36368308, 34374989)

Laboratory of Medical Genetics, University of Torino
Classification: Pathogenic for Intellectual developmental disorder, autosomal dominant 57. Last evaluated: 2020-09-24. Review status: criteria provided, single submitter. Criteria: ACMG Guidelines, 2015. Collection method: research. Allele origin: de novo. Inheritance: Autosomal dominant inheritance. Affected: yes. Observed: 1 variant allele, 1 heterozygote.
Comment: In vitro functional studies showed an impaired kinase activity, altered cellular localization and proximal interactome.